The following is an entry in ClinVar:

ClinVar aggregate classification (germline): Uncertain significance (1 of 4 stars; one submission).

gnomAD v4.1: 1 of 1,614,046 alleles (0.000062%); no homozygotes.

Submission:

Ambry Genetics
Classification: Uncertain significance. Last evaluated: 2025-06-09. Review status: criteria provided, single submitter. Criteria: Ambry Variant Classification Scheme 2023. Collection method: clinical testing. Allele origin: germline.
Comment: The p.L542P variant (also known as c.1625T>C), located in coding exon 8 of the ATRIP gene, results from a T to C substitution at nucleotide position 1625. The leucine at codon 542 is replaced by proline, an amino acid with similar properties. This amino acid position is conserved. In addition, this alteration is predicted to be deleterious by in silico analysis. Based on the available evidence, the clinical significance of this variant remains unclear.

NM_130384.3(ATRIP):c.1625T>C (p.Leu542Pro)

Genes: ATRIP (ATR interacting protein; plus strand), ATRIP-TREX1 (ATRIP-TREX1 readthrough; plus strand). Cytogenetic location: 3p21.31.
Variant type: single nucleotide variant.
Coding change: c.1625T>C on transcript NM_130384.3 (MANE Select); coding-DNA position 1625, T replaced by C.
Protein change: p.Leu542Pro; replaces leucine 542 with proline.
Molecular consequence: missense variant. On other transcripts: non-coding transcript variant (1).
Genome position (GRCh38, 1-based): chr3:48,460,679, T>C. VCF-style: chr3-48460679-T-C. GRCh37 (hg19) VCF-style: chr3-48502078-T-C.
Other names: c.1244T>C, p.Leu415Pro (NM_001271022.2); c.1346T>C, p.Leu449Pro (NM_001271023.2); c.1625T>C, p.Leu542Pro (NM_032166.4); short protein forms L542P, L415P, L449P.
Identifiers: ClinVar variation 3977156 (VCV003977156.1).